The following is an entry in ClinVar:

NM_016239.4(MYO15A):c.9722C>T (p.Ala3241Val)

Gene: MYO15A (myosin XVA; plus strand). Cytogenetic location: 17p11.2.
Variant type: single nucleotide variant.
Coding change: c.9722C>T on transcript NM_016239.4 (MANE Select); coding-DNA position 9722, C replaced by T.
Protein change: p.Ala3241Val; replaces alanine 3241 with valine.
Molecular consequence: missense variant.
Genome position (GRCh38, 1-based): chr17:18,163,773, C>T. VCF-style: chr17-18163773-C-T. GRCh37 (hg19) VCF-style: chr17-18067087-C-T.
Other names: short protein forms A3241V.
Identifiers: ClinVar variation 3360155 (VCV003360155.2).
Genomic context (GRCh38, chr17:18,163,773, plus strand): 5'-TGGCCTCATCTCTTCCGCCCCACCCCCAGGTGGCCCTGGACGTGGTGGAAGAGATATGTG[C>T]TGAGATGGCTCTGACACGCCCTGAGGCCTTCAATGAATATGTTATCTTCGTTGTCACCAA-3'
Protein context (NP_057323.3, residues 3231-3251): VALDVVEEIC[Ala3241Val]EMALTRPEAF

ClinVar aggregate classification (germline): Uncertain significance. Review status: criteria provided, multiple submitters, no conflicts (2 of 4 stars). 2 submissions from 2 submitters: Uncertain significance (2). Last evaluated 2023-06-28.

gnomAD v4.1: 7 of 1,613,930 alleles (0.00043%); highest among the groups gnomAD compares: Admixed American, 0.0083%; no homozygotes.

Submissions (2):

GeneDx
Classification: Uncertain significance. Last evaluated: 2023-06-28. Review status: criteria provided, single submitter. Criteria: GeneDx Variant Classification Process June 2021. Collection method: clinical testing. Allele origin: germline. Affected: yes.
Comment: In silico analysis supports that this missense variant does not alter protein structure/function; Has not been previously published as pathogenic or benign to our knowledge

Blueprint Genetics
Classification: Uncertain significance. Last evaluated: 2022-07-08. Review status: criteria provided, single submitter. Criteria: ACMG Guidelines, 2015. Collection method: clinical testing. Allele origin: germline.